The following is an entry in ClinVar:

NM_016145.4(WDR83OS):c.12C>T (p.Asn4=)

Genes: WDR83 (WD repeat domain 83; plus strand), WDR83OS (WD repeat domain 83 opposite strand; minus strand). Cytogenetic location: 19p13.13.
Variant type: single nucleotide variant.
Coding change: c.12C>T on transcript NM_016145.4 (MANE Select); coding-DNA position 12, C replaced by T.
Protein change: p.Asn4=; no amino-acid change (asparagine 4 retained).
Molecular consequence: synonymous variant. On other transcripts: intron variant (1).
Genome position (GRCh38, 1-based): chr19:12,669,392, G>A on the plus strand (C>T on the coding strand, the complement: WDR83OS is on the minus strand). VCF-style: chr19-12669392-G-A. GRCh37 (hg19) VCF-style: chr19-12780206-G-A.
Other names: c.-36-363G>A (NM_001099737.3).
Identifiers: ClinVar variation 4983215 (VCV004983215.1).

ClinVar aggregate classification (germline): Likely benign (1 of 4 stars; one submission).

Conditions:
WDR83OS-related condition.

gnomAD v4.1: 30 of 1,599,554 alleles (0.0019%); highest among the groups gnomAD compares: East Asian, 0.009%; no homozygotes.

Submission:

PreventionGenetics, part of Exact Sciences
Classification: Likely benign for WDR83OS-related condition. Last evaluated: 2026-06-20. Review status: criteria provided, single submitter. Criteria: ACMG Guidelines, 2015. Collection method: clinical testing. Allele origin: germline.
Comment: This variant is classified as likely benign based on ACMG/AMP sequence variant interpretation guidelines (Richards et al. 2015 PMID: 25741868, with internal and published modifications).